The following is an entry in ClinVar:

ClinVar aggregate classification (germline): Uncertain significance. Review status: criteria provided, multiple submitters, no conflicts (2 of 4 stars). 2 submissions from 2 submitters: Uncertain significance (2). Last evaluated 2022-10-26.

Conditions:
Familial cancer of breast. Also called: BREAST CANCER, FAMILIAL; Hereditary breast cancer; hereditary breast carcinoma. Identifiers: Orphanet 227535, MedGen C0346153, MONDO:0016419, OMIM 114480. Disease mechanism: loss of function.
Hereditary cancer-predisposing syndrome. Also called: Neoplastic Syndromes, Hereditary; Tumor predisposition; Hereditary Cancer Syndrome; Hereditary neoplastic syndrome. Identifiers: Orphanet 140162, MedGen C0027672, MeSH D009386, MONDO:0015356.

Submissions (2):

Labcorp Genetics (formerly Invitae), Labcorp
Classification: Uncertain significance for Familial cancer of breast. Last evaluated: 2022-10-26. Review status: criteria provided, single submitter. Criteria: Invitae Variant Classification Sherloc (09022015). Collection method: clinical testing. Allele origin: germline.
Comment: In summary, the available evidence is currently insufficient to determine the role of this variant in disease. Therefore, it has been classified as a Variant of Uncertain Significance. Variants that disrupt the consensus splice site are a relatively common cause of aberrant splicing (PMID: 17576681, 9536098). Studies have shown that this variant results in skipping of exon 11 and introduces a premature termination codon (Invitae). The resulting mRNA is expected to undergo nonsense-mediated decay. ClinVar contains an entry for this variant (Variation ID: 482033). This variant has not been reported in the literature in individuals affected with PALB2-related conditions. This variant is not present in population databases (gnomAD no frequency). This sequence change falls in intron 11 of the PALB2 gene. It does not directly change the encoded amino acid sequence of the PALB2 protein. RNA analysis indicates that this variant induces altered splicing and may result in an absent or disrupted protein product.

Ambry Genetics
Classification: Uncertain significance for Hereditary cancer-predisposing syndrome. Last evaluated: 2022-04-13. Review status: criteria provided, single submitter. Criteria: Ambry Variant Classification Scheme 2023. Collection method: clinical testing. Allele origin: germline.
Comment: The c.3201+4delA intronic variant, located in intron 11 of the PALB2 gene, results from a deletion of one nucleotide within intron 11 of the PALB2 gene. This nucleotide position is well conserved in available vertebrate species. In silico splice site analysis predicts that this alteration will weaken the native splice donor site; however, direct evidence is insufficient at this time (Ambry internal data). Since supporting evidence is limited at this time, the clinical significance of this alteration remains unclear.

Literature cited by the submitters: PubMed 17576681 (cited by Labcorp Genetics (formerly Invitae), Labcorp); PubMed 9536098 (cited by Labcorp Genetics (formerly Invitae), Labcorp).

NM_024675.4(PALB2):c.3201+4del

Gene: PALB2 (partner and localizer of BRCA2; minus strand). Cytogenetic location: 16p12.2.
Variant type: Deletion.
Coding change: c.3201+4del on transcript NM_024675.4 (MANE Select); 4 bases into the intron after coding-DNA position 3201, one base deleted (A; older notation c.3201+4delA).
Molecular consequence: intron variant.
Genome position (GRCh38, 1-based): chr16:23,614,000, T deleted on the plus strand (A on the coding strand, the reverse complement: PALB2 is on the minus strand); the first of 2 consecutive T bases (chr16:23,614,000-23,614,001); deleting either gives the same sequence. VCF-style (leftmost placement, unchanged base first): chr16-23613999-CT-C. GRCh37 (hg19) VCF-style: chr16-23625320-CT-C.
Other names: c.3201+4delA (NM_024675.3).
Identifiers: ClinVar variation 482033 (VCV000482033.12), dbSNP rs1555458807, ClinGen allele CA658658457.